The following is an entry in ClinVar:

NM_017780.4(CHD7):c.8580_8581insT (p.Thr2861fs)

Gene: CHD7 (chromodomain helicase DNA binding protein 7; plus strand). Cytogenetic location: 8q12.2.
Variant type: Insertion.
Coding change: c.8580_8581insT on transcript NM_017780.4 (MANE Select); coding-DNA positions 8580 to 8581, T inserted.
Protein change: p.Thr2861fs; shifts the reading frame from threonine 2861.
Molecular consequence: frameshift variant.
Genome position: GRCh38 VCF-style: chr8-60865519-C-CT. GRCh37 (hg19) VCF-style: chr8-61778078-C-CT.
Other names: c.2433_2434insT, p.Thr812fs (NM_001316690.1); short protein forms T2861fs, T812fs.
Identifiers: ClinVar variation 2571318 (VCV002571318.27), dbSNP rs2488149487, ClinGen allele CA2580617168.
Genomic context (GRCh38, chr8:60,865,519, plus strand): 5'-TTCAAAAGGAGAGGAGAAAGGAAATGAGAATGAAGACGAGAACAAAGACTCTGAGAAAAG[C>CT]ACAGATGCTGTTTCGGCTGCTGACTCTGCGAATGGATCTGTTGGTGCTGCTACTGCCCCG-3'

ClinVar aggregate classification (germline): Likely pathogenic (1 of 4 stars; one submission).

Submission:

CeGaT Center for Human Genetics Tuebingen
Classification: Likely pathogenic. Last evaluated: 2024-06-01. Review status: criteria provided, single submitter. Criteria: CeGaT Center For Human Genetics Tuebingen Variant Classification Criteria Version 2. Collection method: clinical testing. Allele origin: germline. Affected: yes. Observed: 2 variant alleles.
Comment: CHD7: PVS1:Strong, PM2